The following is an entry in ClinVar:

ClinVar aggregate classification (germline): Benign/Likely benign. Review status: criteria provided, multiple submitters, no conflicts (2 of 4 stars). 4 submissions from 4 submitters: Benign (1); Likely benign (3). Last evaluated 2026-07-28.

Conditions:
3-methylglutaconic aciduria type 5. Also called: CARDIOMYOPATHY, DILATED, WITH ATAXIA; 3 alpha methylglutaconic aciduria type V; MGA 5; MGA, TYPE V. Identifiers: Orphanet 66634, MedGen C1857776, MONDO:0012435, OMIM 610198.
DNAJC19-related disorder. Also called: DNAJC19-related condition.

Allele frequency attached by ClinVar (database versions not stated): gnomAD exomes 0.00004 and 0.00008; ExAC 0.00011; ESP Exome Variant Server 0.00031; gnomAD 0.00042 and 0.00044; TOPMed 0.00043; 1000 Genomes Project 30x 0.00047; 1000 Genomes Project 0.00060.

Submissions (4):

PreventionGenetics, part of Exact Sciences
Classification: Likely benign for DNAJC19-related condition. Last evaluated: 2026-07-28. Review status: criteria provided, single submitter. Criteria: ACMG Guidelines, 2015. Collection method: clinical testing. Allele origin: germline.
Comment: This variant is classified as likely benign based on ACMG/AMP sequence variant interpretation guidelines (Richards et al. 2015 PMID: 25741868, with internal and published modifications).

Labcorp Genetics (formerly Invitae), Labcorp
Classification: Likely benign for 3-methylglutaconic aciduria type 5. Last evaluated: 2026-01-06. Review status: criteria provided, single submitter. Criteria: Invitae Variant Classification Sherloc (09022015). Collection method: clinical testing. Allele origin: germline.

Women's Health and Genetics/Laboratory Corporation of America, LabCorp
Classification: Benign. Last evaluated: 2025-09-15. Review status: criteria provided, single submitter. Criteria: LabCorp Variant Classification Summary - May 2015. Collection method: clinical testing. Allele origin: germline.

GeneDx
Classification: Likely benign. Last evaluated: 2020-10-27. Review status: criteria provided, single submitter. Criteria: GeneDx Variant Classification Process June 2021. Collection method: clinical testing. Allele origin: germline. Affected: yes.

NM_145261.4(DNAJC19):c.300A>G (p.Ala100=)

Gene: DNAJC19 (DnaJ heat shock protein family (Hsp40) member C19; minus strand). Cytogenetic location: 3q26.33.
Variant type: single nucleotide variant.
Coding change: c.300A>G on transcript NM_145261.4 (MANE Select); coding-DNA position 300, A replaced by G.
Protein change: p.Ala100=; no amino-acid change (alanine 100 retained).
Molecular consequence: synonymous variant. On other transcripts: non-coding transcript variant (4).
Genome position (GRCh38, 1-based): chr3:180,984,691, T>C on the plus strand (A>G on the coding strand, the complement: DNAJC19 is on the minus strand). VCF-style: chr3-180984691-T-C. GRCh37 (hg19) VCF-style: chr3-180702479-T-C.
Other names: c.225A>G, p.Ala75= (NM_001190233.2).
Identifiers: ClinVar variation 1123877 (VCV001123877.15), dbSNP rs373886730, ClinGen allele CA2717047.